The following is an entry in ClinVar:

ClinVar aggregate classification (germline): Uncertain significance. Review status: criteria provided, multiple submitters, no conflicts (2 of 4 stars). 2 submissions from 2 submitters: Uncertain significance (2). Last evaluated 2024-03-19.

Conditions:
Adult-onset autosomal dominant demyelinating leukodystrophy. Identifiers: Orphanet 99027, MedGen C1868512, MONDO:0008215.

Allele frequency attached by ClinVar (database versions not stated): gnomAD exomes 0.00003; gnomAD 0.00005; TOPMed 0.00006.
gnomAD v4.1: 70 of 1,614,008 alleles (0.0043%); highest among the groups gnomAD compares: African/African-American, 0.012%; 1 homozygote.

Submissions (2):

Labcorp Genetics (formerly Invitae), Labcorp
Classification: Uncertain significance. Last evaluated: 2024-03-19. Review status: criteria provided, single submitter. Criteria: Invitae Variant Classification Sherloc (09022015). Collection method: clinical testing. Allele origin: germline.
Comment: This sequence change replaces arginine, which is basic and polar, with histidine, which is basic and polar, at codon 337 of the LMNB1 protein (p.Arg337His). This variant is present in population databases (no rsID available, gnomAD 0.008%). This variant has not been reported in the literature in individuals affected with LMNB1-related conditions. ClinVar contains an entry for this variant (Variation ID: 907310). Advanced modeling of protein sequence and biophysical properties (such as structural, functional, and spatial information, amino acid conservation, physicochemical variation, residue mobility, and thermodynamic stability) performed at Invitae indicates that this missense variant is not expected to disrupt LMNB1 protein function with a negative predictive value of 80%. In summary, the available evidence is currently insufficient to determine the role of this variant in disease. Therefore, it has been classified as a Variant of Uncertain Significance.

Illumina Laboratory Services, Illumina
Classification: Uncertain significance for Leukodystrophy, demyelinating, adult-onset, autosomal dominant, typical. Last evaluated: 2018-01-12. Review status: criteria provided, single submitter. Criteria: ICSL Variant Classification Criteria 13 December 2019. Collection method: clinical testing. Allele origin: germline.

NM_005573.4(LMNB1):c.1010G>A (p.Arg337His)

Gene: LMNB1 (lamin B1; plus strand). Cytogenetic location: 5q23.2.
Variant type: single nucleotide variant.
Coding change: c.1010G>A on transcript NM_005573.4 (MANE Select); coding-DNA position 1010, G replaced by A.
Protein change: p.Arg337His; replaces arginine 337 with histidine.
Molecular consequence: missense variant. On other transcripts: non-coding transcript variant (1).
Genome position (GRCh38, 1-based): chr5:126,818,992, G>A. VCF-style: chr5-126818992-G-A. GRCh37 (hg19) VCF-style: chr5-126154684-G-A.
Other names: c.380G>A, p.Arg127His (NM_001198557.2); short protein forms R337H, R127H.
Identifiers: ClinVar variation 907310 (VCV000907310.6), dbSNP rs994236399, ClinGen allele CA126925947.